The following is an entry in ClinVar:

NM_001079843.3(CASZ1):c.1916C>A (p.Ala639Asp)

Gene: CASZ1 (castor zinc finger 1; minus strand). Cytogenetic location: 1p36.22.
Variant type: single nucleotide variant.
Coding change: c.1916C>A on transcript NM_001079843.3 (MANE Select); coding-DNA position 1916, C replaced by A.
Protein change: p.Ala639Asp; replaces alanine 639 with aspartic acid.
Molecular consequence: missense variant.
Genome position (GRCh38, 1-based): chr1:10,654,141, G>T on the plus strand (C>A on the coding strand, the complement: CASZ1 is on the minus strand). VCF-style: chr1-10654141-G-T. GRCh37 (hg19) VCF-style: chr1-10714198-G-T.
Other names: c.1916C>A, p.Ala639Asp (NM_017766.5); short protein forms A639D.
Identifiers: ClinVar variation 3900055 (VCV003900055.1).

ClinVar aggregate classification (germline): Uncertain significance (1 of 4 stars; one submission).

Submission:

GeneDx
Classification: Uncertain significance. Last evaluated: 2024-11-22. Review status: criteria provided, single submitter. Criteria: GeneDx Variant Classification Process June 2021. Collection method: clinical testing. Allele origin: germline. Affected: yes.
Comment: Not observed at significant frequency in large population cohorts (gnomAD); In silico analysis indicates that this missense variant does not alter protein structure/function; Has not been previously published as pathogenic or benign to our knowledge